The following is an entry in ClinVar:

ClinVar aggregate classification (germline): Likely pathogenic (1 of 4 stars; one submission).

Conditions:
Neurodevelopmental disorder with hypotonia, impaired language, and dysmorphic features. Also called: Intellectual disability, autosomal dominant 40. Identifiers: Orphanet 692193, MedGen C5676894, MONDO:0014699, OMIM 616579.

Submission:

3billion
Classification: Likely pathogenic for Neurodevelopmental disorder with hypotonia, impaired language, and dysmorphic features. Review status: criteria provided, single submitter. Criteria: ACMG Guidelines, 2015. Collection method: clinical testing. Allele origin: unknown. Affected: yes. Observed: 1 heterozygote.
Comment: The variant is not observed in the gnomAD v2.1.1 dataset. The variant is predicted to result in a loss or disruption of normal protein function through protein truncation. Multiple pathogenic variants are reported in the predicted truncated region. Therefore, this variant is classified as Likely pathogenic according to the recommendation of ACMG/AMP guideline.

NM_032436.4(CHAMP1):c.1440G>A (p.Trp480Ter)

Gene: CHAMP1 (chromosome alignment maintaining phosphoprotein 1; plus strand). Cytogenetic location: 13q34.
Variant type: single nucleotide variant.
Coding change: c.1440G>A on transcript NM_032436.4 (MANE Select); coding-DNA position 1440, G replaced by A.
Protein change: p.Trp480Ter; replaces tryptophan 480 with a stop codon.
Molecular consequence: nonsense.
Genome position (GRCh38, 1-based): chr13:114,325,282, G>A. VCF-style: chr13-114325282-G-A. GRCh37 (hg19) VCF-style: chr13-115090757-G-A.
Other names: c.1440G>A, p.Trp480Ter (NM_001164144.3, NM_001164145.3); short protein forms W480*.
Identifiers: ClinVar variation 2572392 (VCV002572392.1), dbSNP rs2503201849, ClinGen allele CA388848677.